The following is an entry in ClinVar:

NM_030962.4(SBF2):c.2655_2658del (p.Cys886fs)

Genes: SBF2 (SET binding factor 2; minus strand), LOC101928008 (uncharacterized LOC101928008; plus strand). Cytogenetic location: 11p15.4.
Variant type: Deletion.
Coding change: c.2655_2658del on transcript NM_030962.4 (MANE Select); coding-DNA positions 2655 to 2658, 4 bases deleted (CTGT; older notation c.2655_2658delCTGT).
Protein change: p.Cys886fs; shifts the reading frame from cysteine 886.
Molecular consequence: frameshift variant.
Genome position (GRCh38, 1-based): chr11:9,850,171-9,850,174, ACAG deleted on the plus strand (CTGT on the coding strand, the reverse complement: SBF2 is on the minus strand); deleting any 4 consecutive bases within chr11:9,850,171-9,850,177 gives the same sequence; the c. name uses the placement nearest the transcript's 3' end. VCF-style (leftmost placement, unchanged base first): chr11-9850170-CACAG-C. GRCh37 (hg19) VCF-style: chr11-9871717-CACAG-C.
Other names: c.2655_2658del, p.Cys886fs (NM_001386339.1); c.2526_2529del, p.Cys843fs (NM_001386342.1); short protein forms C843fs, C886fs.
Identifiers: ClinVar variation 1910731 (VCV001910731.5), dbSNP rs1249209712, ClinGen allele CA597567198.

ClinVar aggregate classification (germline): Pathogenic (1 of 4 stars; one submission).

Conditions:
Charcot-Marie-Tooth disease type 4. Also called: Charcot-Marie-Tooth disease, type IV; Charcot-Marie-Tooth, Type 4. Identifiers: Orphanet 64749, MedGen C4082197, MONDO:0018995.

Submission:

Labcorp Genetics (formerly Invitae), Labcorp
Classification: Pathogenic for Charcot-Marie-Tooth disease type 4. Last evaluated: 2022-10-13. Review status: criteria provided, single submitter. Criteria: Invitae Variant Classification Sherloc (09022015). Collection method: clinical testing. Allele origin: germline.
Comment: For these reasons, this variant has been classified as Pathogenic. This variant has not been reported in the literature in individuals affected with SBF2-related conditions. This variant is present in population databases (no rsID available, gnomAD 0.007%). This sequence change creates a premature translational stop signal (p.Cys886Argfs*49) in the SBF2 gene. It is expected to result in an absent or disrupted protein product. Loss-of-function variants in SBF2 are known to be pathogenic (PMID: 12687498, 25873783).

Literature cited by the submitters: PubMed 12687498; PubMed 25873783.